The following is an entry in ClinVar:

NM_000143.4(FH):c.1411A>G (p.Ile471Val)

Gene: FH (fumarate hydratase; minus strand). Cytogenetic location: 1q43.
Variant type: single nucleotide variant.
Coding change: c.1411A>G on transcript NM_000143.4 (MANE Select); coding-DNA position 1411, A replaced by G.
Protein change: p.Ile471Val; replaces isoleucine 471 with valine.
Molecular consequence: missense variant.
Genome position (GRCh38, 1-based): chr1:241,497,950, T>C on the plus strand (A>G on the coding strand, the complement: FH is on the minus strand). VCF-style: chr1-241497950-T-C. GRCh37 (hg19) VCF-style: chr1-241661250-T-C.
Other names: short protein forms I471V.
Identifiers: ClinVar variation 1772041 (VCV001772041.8), dbSNP rs1659667519, ClinGen allele CA345450957.

ClinVar aggregate classification (germline): Uncertain significance. Review status: criteria provided, multiple submitters, no conflicts (2 of 4 stars). 2 submissions from 2 submitters: Uncertain significance (2). Last evaluated 2025-04-18.

Conditions:
Hereditary cancer-predisposing syndrome. Also called: Hereditary Cancer Syndrome; Hereditary neoplastic syndrome; Neoplastic Syndromes, Hereditary; Tumor predisposition. Identifiers: Orphanet 140162, MedGen C0027672, MeSH D009386, MONDO:0015356.

gnomAD v4.1: 1 of 1,614,086 alleles (0.000062%); no homozygotes.

Submissions (2):

Ambry Genetics
Classification: Uncertain significance for Hereditary cancer-predisposing syndrome. Last evaluated: 2025-04-18. Review status: criteria provided, single submitter. Criteria: Ambry Variant Classification Scheme 2023. Collection method: clinical testing. Allele origin: germline.
Comment: The p.I471V variant (also known as c.1411A>G), located in coding exon 10 of the FH gene, results from an A to G substitution at nucleotide position 1411. The isoleucine at codon 471 is replaced by valine, an amino acid with highly similar properties. This amino acid position is highly conserved in available vertebrate species. In addition, the in silico prediction for this alteration is inconclusive. Since supporting evidence is limited at this time, the clinical significance of this alteration remains unclear.

Labcorp Genetics (formerly Invitae), Labcorp
Classification: Uncertain significance. Last evaluated: 2024-07-01. Review status: criteria provided, single submitter. Criteria: Invitae Variant Classification Sherloc (09022015). Collection method: clinical testing. Allele origin: germline.
Comment: This sequence change replaces isoleucine, which is neutral and non-polar, with valine, which is neutral and non-polar, at codon 471 of the FH protein (p.Ile471Val). This variant is not present in population databases (gnomAD no frequency). This variant has not been reported in the literature in individuals affected with FH-related conditions. ClinVar contains an entry for this variant (Variation ID: 1772041). Advanced modeling of protein sequence and biophysical properties (such as structural, functional, and spatial information, amino acid conservation, physicochemical variation, residue mobility, and thermodynamic stability) performed at Invitae indicates that this missense variant is not expected to disrupt FH protein function with a negative predictive value of 95%. In summary, the available evidence is currently insufficient to determine the role of this variant in disease. Therefore, it has been classified as a Variant of Uncertain Significance.